The following is an entry in ClinVar:

ClinVar aggregate classification (germline): Uncertain significance (1 of 4 stars; one submission).

Conditions:
Familial adenomatous polyposis 2. Also called: COLORECTAL ADENOMATOUS POLYPOSIS, AUTOSOMAL RECESSIVE; MYH-associated polyposis; FAP type 2; Adenomas, multiple colorectal; MUTYH Polyposis; ADENOMAS, MULTIPLE COLORECTAL, AUTOSOMAL RECESSIVE. Identifiers: Orphanet 220460, Orphanet 247798, MedGen C3272841, MONDO:0012041, OMIM 608456.

Submission:

Labcorp Genetics (formerly Invitae), Labcorp
Classification: Uncertain significance for Familial adenomatous polyposis 2. Last evaluated: 2019-04-04. Review status: criteria provided, single submitter. Criteria: Invitae Variant Classification Sherloc (09022015). Collection method: clinical testing. Allele origin: germline.
Comment: In summary, the available evidence is currently insufficient to determine the role of this variant in disease. Therefore, it has been classified as a Variant of Uncertain Significance. Nucleotide substitutions within the consensus splice site are a relatively common cause of aberrant splicing (PMID: 17576681, 9536098). Algorithms developed to predict the effect of sequence changes on RNA splicing suggest that this variant may disrupt the consensus splice site, but this prediction has not been confirmed by published transcriptional studies. This variant has not been reported in the literature in individuals with MUTYH-related conditions. This variant is not present in population databases (ExAC no frequency). This sequence change falls in intron 1 of the MUTYH gene. It does not directly change the encoded amino acid sequence of the MUTYH protein, but it affects a nucleotide within the consensus splice site of the intron.

Literature cited by the submitters: PubMed 17576681; PubMed 9536098.

NM_001128425.2(MUTYH):c.36+3A>G

Genes: MUTYH (mutY DNA glycosylase; minus strand), TOE1 (target of EGR1, exonuclease; plus strand). Cytogenetic location: 1p34.1.
Variant type: single nucleotide variant.
Coding change: c.36+3A>G on transcript NM_001128425.2 (MANE Plus Clinical); 3 bases into the intron after coding-DNA position 36, A replaced by G.
Molecular consequence: intron variant. On other transcripts: 5 prime UTR variant (3).
Genome position (GRCh38, 1-based): chr1:45,340,216, T>C on the plus strand (A>G on the coding strand, the complement: MUTYH is on the minus strand). VCF-style: chr1-45340216-T-C. GRCh37 (hg19) VCF-style: chr1-45805888-T-C.
Other names: c.-37T>C (NM_025077.4); c.-20A>G (NM_001407070.1, NM_001407071.1); c.-7+7A>G (NM_001407072.1); c.-214+3A>G (NM_001350651.2); c.-219+3A>G (NM_001293192.2); c.-278+3A>G (NM_001350650.2); c.36+3A>G (NM_001407073.1, NM_001293190.2, NM_001407069.1 and 1 more transcripts); c.-7+3A>G (NM_001048171.2).
Identifiers: ClinVar variation 862790 (VCV000862790.8), dbSNP rs759654665, ClinGen allele CA916080234.
Genomic context (GRCh38, chr1:45,340,216, plus strand): 5'-AGACCCCGCCCCATCCCCGACTGCCTGAACCGCGCCAGGAGACGGACCGCAAGTCCAGCG[T>C]ACCCACAGACGACTCAGGCGGGAGACGAGCGGTGTCATGGCCGCCGACAGTGACGATGGC-3'